The following is an entry in ClinVar:

ClinVar aggregate classification (germline): Likely benign (1 of 4 stars; one submission).

Submission:

Women's Health and Genetics/Laboratory Corporation of America, LabCorp
Classification: Likely benign. Last evaluated: 2025-01-06. Review status: criteria provided, single submitter. Criteria: LabCorp Variant Classification Summary - May 2015. Collection method: clinical testing. Allele origin: germline.
Comment: Variant summary: BRCA2 c.3348T>G alters a non-conserved nucleotide resulting in a synonymous change. Consensus agreement among computation tools predict no significant impact on normal splicing. However, these predictions have yet to be confirmed by functional studies. The variant was absent in 248556 control chromosomes. The available data on variant occurrences in the general population are insufficient to allow any conclusion about variant significance. To our knowledge, no occurrence of c.3348T>G in individuals affected with Hereditary Breast And Ovarian Cancer Syndrome and no experimental evidence demonstrating its impact on protein function have been reported. No submitters have cited clinical-significance assessments for this variant to ClinVar. Based on the evidence outlined above, the variant was classified as likely benign.

NM_000059.4(BRCA2):c.3348T>G (p.Thr1116=)

Gene: BRCA2 (BRCA2 DNA repair associated; plus strand). Cytogenetic location: 13q13.1.
Variant type: single nucleotide variant.
Coding change: c.3348T>G on transcript NM_000059.4 (MANE Select); coding-DNA position 3348, T replaced by G.
Protein change: p.Thr1116=; no amino-acid change (threonine 1116 retained).
Molecular consequence: synonymous variant. On other transcripts: non-coding transcript variant (1), intron variant (2).
Genome position (GRCh38, 1-based): chr13:32,337,703, T>G. VCF-style: chr13-32337703-T-G. GRCh37 (hg19) VCF-style: chr13-32911840-T-G.
Other names: c.3348T>G, p.Thr1116= (NM_001406719.1, NM_001406720.1, NM_001432077.1); c.1909+4316T>G (NM_001406721.1); c.424+6673T>G (NM_001406722.1).
Identifiers: ClinVar variation 3769269 (VCV003769269.2).